The following is an entry in ClinVar:

ClinVar aggregate classification (germline): Uncertain significance (1 of 4 stars; one submission).

Conditions:
TTC8-related disorder. Also called: TTC8-related condition.

Submission:

PreventionGenetics, part of Exact Sciences
Classification: Uncertain significance for TTC8-related condition. Last evaluated: 2025-04-14. Review status: criteria provided, single submitter. Criteria: ACMG Guidelines, 2015. Collection method: clinical testing. Allele origin: germline.
Comment: The TTC8 c.671dupA variant is predicted to result in a frameshift and premature protein termination (p.Asn224Lysfs*36). In an alternate transcript (NM_198309.3), this variant is found in an intronic region (c.594+2824dupA). To our knowledge, this variant has not been reported in the literature or in a large population database, indicating this variant is rare. At this time, the clinical significance of this variant is uncertain due to the absence of conclusive functional and genetic evidence.

NM_144596.4(TTC8):c.624+2824dup

Gene: TTC8 (tetratricopeptide repeat domain 8; plus strand). Cytogenetic location: 14q31.3.
Variant type: Duplication.
Coding change: c.624+2824dup on transcript NM_144596.4 (MANE Select); 2824 bases into the intron after coding-DNA position 624, one base duplicated (A; older notation c.624+2824dupA).
Molecular consequence: intron variant. On other transcripts: frameshift variant (2).
Genome position (GRCh38, 1-based): chr14:88,846,674, A duplicated; the last of 7 consecutive A bases (chr14:88,846,668-88,846,674); duplicating any one gives the same sequence. VCF-style (leftmost placement, unchanged base first): chr14-88846667-G-GA. GRCh37 (hg19) VCF-style: chr14-89313011-G-GA.
Other names: c.671dup, p.Asn224fs (NM_001288781.1); c.30+5117dup (NM_001288782.1); c.594+2824dup (NM_198309.3, NM_001366535.2); c.-153-174dup (NM_001288783.1); c.504+2824dup (NM_198310.3, NM_001366536.2); c.671dupA (NM_001288781.1); short protein forms N224fs.
Identifiers: ClinVar variation 2632412 (VCV002632412.2), dbSNP rs1043804986, ClinGen allele CA264562904.